The following is an entry in ClinVar:

NM_000535.7(PMS2):c.67G>A (p.Val23Ile)

Gene: PMS2 (PMS1 homolog 2, mismatch repair system component; minus strand). Cytogenetic location: 7p22.1.
Variant type: single nucleotide variant.
Coding change: c.67G>A on transcript NM_000535.7 (MANE Select); coding-DNA position 67, G replaced by A.
Protein change: p.Val23Ile; replaces valine 23 with isoleucine.
Molecular consequence: missense variant. On other transcripts: 5 prime UTR variant (8), non-coding transcript variant (1), intron variant (3).
Genome position (GRCh38, 1-based): chr7:6,005,988, C>T on the plus strand (G>A on the coding strand, the complement: PMS2 is on the minus strand). VCF-style: chr7-6005988-C-T. GRCh37 (hg19) VCF-style: chr7-6045619-C-T.
Other names: c.-339G>A (NM_001018040.1, NM_001322003.2, NM_001322005.2 and 11 more transcripts); c.67G>A, p.Val23Ile (NM_001322006.2, NM_001322014.2, NM_001406868.1 and 10 more transcripts); c.-149G>A (NM_001322007.2, NM_001406876.1, NM_001406883.1 and 4 more transcripts); c.-818G>A (NM_001322011.2, NM_001322012.2); c.-418G>A (NM_001322015.2, NM_001406875.1, NM_001406877.1 and 2 more transcripts); c.253G>A, p.Val85Ile (NM_001406866.1); c.-365G>A (NM_001406880.1); c.-286G>A (NM_001406888.1, NM_001406889.1, NM_001406892.1 and 5 more transcripts); and 4 more; short protein forms V85I, V23I.
Identifiers: ClinVar variation 2096838 (VCV002096838.4), dbSNP rs374830220, ClinGen allele CA366745126.
Genomic context (GRCh38, chr7:6,005,988, plus strand): 5'-CTAACTCCTTTACCGCAGTGCTTAGACTCAGTACCACCTGCCCAGAGCAAATCTGATGGA[C>T]TGACTTCCGATCAATAGGTTTGATGGCCTTAGCAGGTTCTGTACTAGAGAAATCAGTTAC-3'
Protein context (NP_000526.2, residues 13-33): KAIKPIDRKS[Val23Ile]HQICSGQVVL

ClinVar aggregate classification (germline): Uncertain significance (1 of 4 stars; one submission).

Conditions:
Hereditary nonpolyposis colorectal neoplasms. Identifiers: MedGen C0009405, MeSH D003123.

Submission:

Labcorp Genetics (formerly Invitae), Labcorp
Classification: Uncertain significance for Hereditary nonpolyposis colorectal neoplasms. Last evaluated: 2022-02-11. Review status: criteria provided, single submitter. Criteria: Invitae Variant Classification Sherloc (09022015). Collection method: clinical testing. Allele origin: germline.
Comment: Advanced modeling of protein sequence and biophysical properties (such as structural, functional, and spatial information, amino acid conservation, physicochemical variation, residue mobility, and thermodynamic stability) performed at Invitae indicates that this missense variant is not expected to disrupt PMS2 protein function. This variant has not been reported in the literature in individuals affected with PMS2-related conditions. This variant is not present in population databases (gnomAD no frequency). This sequence change replaces valine, which is neutral and non-polar, with isoleucine, which is neutral and non-polar, at codon 23 of the PMS2 protein (p.Val23Ile). In summary, the available evidence is currently insufficient to determine the role of this variant in disease. Therefore, it has been classified as a Variant of Uncertain Significance.